The following is an entry in ClinVar:

NM_000083.3(CLCN1):c.881C>T (p.Ser294Phe)

Gene: CLCN1 (chloride voltage-gated channel 1; plus strand). Cytogenetic location: 7q34.
Variant type: single nucleotide variant.
Coding change: c.881C>T on transcript NM_000083.3 (MANE Select); coding-DNA position 881, C replaced by T.
Protein change: p.Ser294Phe; replaces serine 294 with phenylalanine.
Molecular consequence: missense variant. On other transcripts: non-coding transcript variant (1).
Genome position (GRCh38, 1-based): chr7:143,330,799, C>T. VCF-style: chr7-143330799-C-T. GRCh37 (hg19) VCF-style: chr7-143027892-C-T.
Other names: short protein forms S294F.
Identifiers: ClinVar variation 2688789 (VCV002688789.3), dbSNP rs2487056994, ClinGen allele CA369641544.

ClinVar aggregate classification (germline): Uncertain significance. Review status: criteria provided, multiple submitters, no conflicts (2 of 4 stars). 2 submissions from 2 submitters: Uncertain significance (2). Last evaluated 2025-06-09.

Conditions:
Congenital myotonia, autosomal dominant form (THD). Also called: THOMSEN DISEASE; Myotonia congenita autosomal dominant. Identifiers: Orphanet 614, MedGen C2936781, MONDO:0008055, OMIM 160800.
Congenital myotonia, autosomal recessive form. Also called: BECKER DISEASE; myotonia congenita, autosomal recessive; Becker Generalized Myotonia. Identifiers: Orphanet 614, MedGen C0751360, MONDO:0009715, OMIM 255700.

Allele frequency attached by ClinVar (database versions not stated): gnomAD exomes below 0.00001.
gnomAD v4.1: 1 of 1,614,196 alleles (0.000062%); highest among the groups gnomAD compares: African/African-American, 0.0013%; no homozygotes.

Submissions (2):

Labcorp Genetics (formerly Invitae), Labcorp
Classification: Uncertain significance for Congenital myotonia, autosomal recessive form; Congenital myotonia, autosomal dominant form. Last evaluated: 2025-06-09. Review status: criteria provided, single submitter. Criteria: Invitae Variant Classification Sherloc (09022015). Collection method: clinical testing. Allele origin: germline.
Comment: This sequence change replaces serine, which is neutral and polar, with phenylalanine, which is neutral and non-polar, at codon 294 of the CLCN1 protein (p.Ser294Phe). This variant is not present in population databases (gnomAD no frequency). This variant has not been reported in the literature in individuals affected with CLCN1-related conditions. ClinVar contains an entry for this variant (Variation ID: 2688789). Invitae Evidence Modeling of protein sequence and biophysical properties (such as structural, functional, and spatial information, amino acid conservation, physicochemical variation, residue mobility, and thermodynamic stability) indicates that this missense variant is expected to disrupt CLCN1 protein function with a positive predictive value of 95%. In summary, the available evidence is currently insufficient to determine the role of this variant in disease. Therefore, it has been classified as a Variant of Uncertain Significance.

Revvity Omics, Revvity
Classification: Uncertain significance. Last evaluated: 2023-08-02. Review status: criteria provided, single submitter. Criteria: ACMG Guidelines, 2015. Collection method: clinical testing. Allele origin: germline.